The following is an entry in ClinVar:

ClinVar aggregate classification (germline): Pathogenic (1 of 4 stars; one submission).

Conditions:
3-hydroxy-3-methylglutaryl-CoA synthase deficiency (HMGCS2D). Also called: HMG-CoA synthase-2 deficiency; HMGCS2 DEFICIENCY; MITOCHONDRIAL HMG-CoA SYNTHASE DEFICIENCY. Identifiers: Orphanet 35701, MedGen C2751532, MONDO:0011614, OMIM 605911.

Allele frequency attached by ClinVar (database versions not stated): gnomAD 0.00001; gnomAD exomes 0.00001; TOPMed 0.00001; ExAC 0.00002; 1000 Genomes Project 30x 0.00016; 1000 Genomes Project 0.00020.
gnomAD v4.1: 15 of 1,614,034 alleles (0.00093%); highest among the groups gnomAD compares: African/African-American, 0.004%; no homozygotes.

Submission:

Labcorp Genetics (formerly Invitae), Labcorp
Classification: Pathogenic for 3-hydroxy-3-methylglutaryl-CoA synthase deficiency. Last evaluated: 2022-09-17. Review status: criteria provided, single submitter. Criteria: Invitae Variant Classification Sherloc (09022015). Collection method: clinical testing. Allele origin: germline.
Comment: This sequence change creates a premature translational stop signal (p.Arg452*) in the HMGCS2 gene. It is expected to result in an absent or disrupted protein product. Loss-of-function variants in HMGCS2 are known to be pathogenic (PMID: 20346956, 23751782, 25511235). For these reasons, this variant has been classified as Pathogenic. This variant has not been reported in the literature in individuals affected with HMGCS2-related conditions. This variant is present in population databases (rs587727388, gnomAD 0.007%).

Literature cited by the submitters: PubMed 20346956; PubMed 23751782; PubMed 25511235.

NM_005518.4(HMGCS2):c.1354C>T (p.Arg452Ter)

Gene: HMGCS2 (3-hydroxy-3-methylglutaryl-CoA synthase 2; minus strand). Cytogenetic location: 1p12.
Variant type: single nucleotide variant.
Coding change: c.1354C>T on transcript NM_005518.4 (MANE Select); coding-DNA position 1354, C replaced by T.
Protein change: p.Arg452Ter; replaces arginine 452 with a stop codon.
Molecular consequence: nonsense.
Genome position (GRCh38, 1-based): chr1:119,752,615, G>A on the plus strand (C>T on the coding strand, the complement: HMGCS2 is on the minus strand). VCF-style: chr1-119752615-G-A. GRCh37 (hg19) VCF-style: chr1-120295238-G-A.
Other names: c.1228C>T, p.Arg410Ter (NM_001166107.1); short protein forms R410*, R452*.
Identifiers: ClinVar variation 2149225 (VCV002149225.4), dbSNP rs587727388, ClinGen allele CA1037576.